The following is an entry in ClinVar:

ClinVar aggregate classification (germline): Uncertain significance (1 of 4 stars; one submission).

Conditions:
Koolen-de Vries syndrome (KDVS). Identifiers: Orphanet 96169, MedGen C1864871, MONDO:0012496, OMIM 610443.

Submission:

Labcorp Genetics (formerly Invitae), Labcorp
Classification: Uncertain significance for Koolen-de Vries syndrome. Last evaluated: 2025-08-22. Review status: criteria provided, single submitter. Criteria: Invitae Variant Classification Sherloc (09022015). Collection method: clinical testing. Allele origin: germline.
Comment: This sequence change replaces proline, which is neutral and non-polar, with alanine, which is neutral and non-polar, at codon 969 of the KANSL1 protein (p.Pro969Ala). This variant is not present in population databases (gnomAD no frequency). This variant has not been reported in the literature in individuals affected with KANSL1-related conditions. Invitae Evidence Modeling of protein sequence and biophysical properties (such as structural, functional, and spatial information, amino acid conservation, physicochemical variation, residue mobility, and thermodynamic stability) has been performed for this missense variant. However, the output from this modeling did not meet the statistical confidence thresholds required to predict the impact of this variant on KANSL1 protein function. In summary, the available evidence is currently insufficient to determine the role of this variant in disease. Therefore, it has been classified as a Variant of Uncertain Significance.

NM_015443.4(KANSL1):c.2905C>G (p.Pro969Ala)

Gene: KANSL1 (KAT8 regulatory NSL complex subunit 1). Cytogenetic location: 17q21.31.
Variant type: single nucleotide variant.
Coding change: c.2905C>G on transcript NM_015443.4 (MANE Select); coding-DNA position 2905, C replaced by G.
Protein change: p.Pro969Ala; replaces proline 969 with alanine.
Molecular consequence: missense variant. On other transcripts: intron variant (4).
Genome position (GRCh38, 1-based): chr17:46,032,232, G>C on the plus strand (C>G on the coding strand, the complement: KANSL1 is on the minus strand). VCF-style: chr17-46032232-G-C. GRCh37 (hg19) VCF-style: chr17-44109598-G-C.
Other names: c.2733-65C>G (NM_001405881.1); c.2838-65C>G (NM_001405872.1, NM_001405874.1, NM_001405873.1); c.2716C>G, p.Pro906Ala (NM_001405876.1, NM_001405877.1, NM_001405878.1 and 1 more transcripts); c.2713C>G, p.Pro905Ala (NM_001405879.1, NM_001405880.1); c.1639C>G, p.Pro547Ala (NM_001405882.1); c.1636C>G, p.Pro546Ala (NM_001405883.1); c.1450C>G, p.Pro484Ala (NM_001405884.1); c.1447C>G, p.Pro483Ala (NM_001405885.1); and 4 more; short protein forms P546A, P935A, P969A, P906A, P934A, P484A, P905A, P968A.
Identifiers: ClinVar variation 4736722 (VCV004736722.1).